The following is an entry in ClinVar:

NM_024675.4(PALB2):c.2816_2823del (p.Asn938_Leu939insTer)

Gene: PALB2 (partner and localizer of BRCA2; minus strand). Cytogenetic location: 16p12.2.
Variant type: Deletion.
Coding change: c.2816_2823del on transcript NM_024675.4 (MANE Select); coding-DNA positions 2816 to 2823, 8 bases deleted (TGGAAATC; older notation c.2816_2823delTGGAAATC).
Protein change: p.Asn938_Leu939insTer.
Molecular consequence: nonsense.
Genome position (GRCh38, 1-based): chr16:23,624,020-23,624,027, GATTTCCA deleted on the plus strand (TGGAAATC on the coding strand, the reverse complement: PALB2 is on the minus strand). VCF-style (leftmost placement, unchanged base first): chr16-23624019-TGATTTCCA-T. GRCh37 (hg19) VCF-style: chr16-23635340-TGATTTCCA-T.
Identifiers: ClinVar variation 629102 (VCV000629102.4), dbSNP rs1567214312, ClinGen allele CA913188716.

ClinVar aggregate classification (germline): Pathogenic (1 of 4 stars; one submission).

Conditions:
Hereditary cancer-predisposing syndrome. Also called: Neoplastic Syndromes, Hereditary; Tumor predisposition; Hereditary neoplastic syndrome; Hereditary Cancer Syndrome. Identifiers: Orphanet 140162, MedGen C0027672, MeSH D009386, MONDO:0015356.

Submission:

Color Diagnostics, LLC DBA Color Health
Classification: Pathogenic for Hereditary cancer-predisposing syndrome. Last evaluated: 2020-01-15. Review status: criteria provided, single submitter. Criteria: ACMG Guidelines, 2015. Collection method: clinical testing. Allele origin: germline.
Comment: This variant deletes 8 nucleotides in exon 8 of the PALB2 gene, creating a frameshift and premature translation stop signal. This variant is expected to result in an absent or non-functional protein product. This variant has not been identified in the general population by the Genome Aggregation Database (gnomAD). Loss of PALB2 function is a known mechanism of disease. Based on the available evidence, this variant is classified as Pathogenic.